The following is an entry in ClinVar:

NM_001353345.2(SETD1B):c.5523G>T (p.Leu1841Phe)

Gene: SETD1B (SET domain containing 1B, histone lysine methyltransferase; plus strand). Cytogenetic location: 12q24.31.
Variant type: single nucleotide variant.
Coding change: c.5523G>T on transcript NM_001353345.2 (MANE Select); coding-DNA position 5523, G replaced by T.
Protein change: p.Leu1841Phe; replaces leucine 1841 with phenylalanine.
Molecular consequence: missense variant.
Genome position (GRCh38, 1-based): chr12:121,827,788, G>T. VCF-style: chr12-121827788-G-T. GRCh37 (hg19) VCF-style: chr12-122265694-G-T.
Other names: NM_015048.1:c.5394G>T; short protein forms L1841F.
Identifiers: ClinVar variation 3794623 (VCV003794623.2).

ClinVar aggregate classification (germline): Uncertain significance (1 of 4 stars; one submission).

Conditions:
Inborn genetic diseases. Identifiers: MedGen C0950123, MeSH D030342.

Submission:

Ambry Genetics
Classification: Uncertain significance for Inborn genetic diseases. Last evaluated: 2025-03-17. Review status: criteria provided, single submitter. Criteria: Ambry Variant Classification Scheme 2023. Collection method: clinical testing. Allele origin: germline.
Comment: The c.5394G>T (p.L1798F) alteration is located in exon 15 (coding exon 15) of the SETD1B gene. This alteration results from a G to T substitution at nucleotide position 5394, causing the leucine (L) at amino acid position 1798 to be replaced by a phenylalanine (F). This variant was not reported in population-based cohorts in the Genome Aggregation Database (gnomAD). This amino acid position is highly conserved in available vertebrate species. This missense alteration is located in a region that has a low rate of benign missense variation (Lek, 2016; Firth, 2009). This alteration is predicted to be deleterious by in silico analysis. Based on insufficient or conflicting evidence, the clinical significance of this alteration remains unclear.